The following is an entry in ClinVar:

ClinVar aggregate classification (germline): Uncertain significance (1 of 4 stars; one submission).

Submission:

GeneDx
Classification: Uncertain significance. Last evaluated: 2026-02-26. Review status: criteria provided, single submitter. Criteria: GeneDx Variant Classification Process June 2021. Collection method: clinical testing. Allele origin: germline.
Comment: Not observed at significant frequency in large population cohorts (gnomAD); Missense variants in this gene are a common cause of disease and they are underrepresented in the general population; In silico analysis suggests that this missense variant does not alter protein structure/function; Has not been previously published as pathogenic or benign to our knowledge.

NM_005343.4(HRAS):c.527A>G (p.Glu176Gly)

Genes: HRAS (HRas proto-oncogene, GTPase; minus strand), LRRC56 (leucine rich repeat containing 56; plus strand). Cytogenetic location: 11p15.5.
Variant type: single nucleotide variant.
Coding change: c.527A>G on transcript NM_005343.4 (MANE Select); coding-DNA position 527, A replaced by G.
Protein change: p.Glu176Gly; replaces glutamic acid 176 with glycine.
Molecular consequence: missense variant. On other transcripts: 3 prime UTR variant (1), intron variant (2).
Genome position (GRCh38, 1-based): chr11:532,679, T>C on the plus strand (A>G on the coding strand, the complement: HRAS is on the minus strand). VCF-style: chr11-532679-T-C. GRCh37 (hg19) VCF-style: chr11-532679-T-C.
Other names: c.527A>G, p.Glu176Gly (NM_001130442.3); c.290A>G, p.Glu97Gly (NM_001318054.2); c.*96A>G (NM_176795.5); c.-162+4342T>C (NM_001441284.1, NM_001441286.1); short protein forms E176G, E97G.
Identifiers: ClinVar variation 4887905 (VCV004887905.1).
Genomic context (GRCh38, chr11:532,679, plus strand): 5'-AGTCCCCCTCACCTGCGTCAGGAGAGCACACACTTGCAGCTCATGCAGCCGGGGCCACTC[T>C]CATCAGGAGGGTTCAGCTTCCGCAGCTTGTGCTGCCGGATCTCACGCACCAACGTGTAGA-3'
Protein context (NP_005334.1, residues 166-186): HKLRKLNPPD[Glu176Gly]SGPGCMSCKC